The following is an entry in ClinVar:

ClinVar aggregate classification (germline): Uncertain significance (1 of 4 stars; one submission).

Allele frequency attached by ClinVar (database versions not stated): gnomAD 0.00001.
gnomAD v4.1: 8 of 1,612,642 alleles (0.0005%); highest among the groups gnomAD compares: South Asian, 0.0033%; no homozygotes.

Submission:

Labcorp Genetics (formerly Invitae), Labcorp
Classification: Uncertain significance. Last evaluated: 2023-08-04. Review status: criteria provided, single submitter. Criteria: Invitae Variant Classification Sherloc (09022015). Collection method: clinical testing. Allele origin: germline.
Comment: This sequence change replaces arginine, which is basic and polar, with tryptophan, which is neutral and slightly polar, at codon 1123 of the MYH14 protein (p.Arg1123Trp). This variant is present in population databases (no rsID available, gnomAD 0.003%). This variant has not been reported in the literature in individuals affected with MYH14-related conditions. ClinVar contains an entry for this variant (Variation ID: 1958220). Advanced modeling of protein sequence and biophysical properties (such as structural, functional, and spatial information, amino acid conservation, physicochemical variation, residue mobility, and thermodynamic stability) performed at Invitae indicates that this missense variant is expected to disrupt MYH14 protein function. In summary, the available evidence is currently insufficient to determine the role of this variant in disease. Therefore, it has been classified as a Variant of Uncertain Significance.

NM_001145809.2(MYH14):c.3490C>T (p.Arg1164Trp)

Gene: MYH14 (myosin heavy chain 14; plus strand). Cytogenetic location: 19q13.33.
Variant type: single nucleotide variant.
Coding change: c.3490C>T on transcript NM_001145809.2 (MANE Select); coding-DNA position 3490, C replaced by T.
Protein change: p.Arg1164Trp; replaces arginine 1164 with tryptophan.
Molecular consequence: missense variant.
Genome position (GRCh38, 1-based): chr19:50,276,013, C>T. VCF-style: chr19-50276013-C-T. GRCh37 (hg19) VCF-style: chr19-50779270-C-T.
Other names: c.3391C>T, p.Arg1131Trp (NM_001077186.2); c.3367C>T, p.Arg1123Trp (NM_024729.4); short protein forms R1131W, R1164W, R1123W.
Identifiers: ClinVar variation 1958220 (VCV001958220.5), dbSNP rs984856121, ClinGen allele CA309570415.